The following is an entry in ClinVar:

ClinVar aggregate classification (germline): Likely pathogenic (1 of 4 stars; one submission).

Submission:

GeneDx
Classification: Likely pathogenic. Last evaluated: 2015-03-23. Review status: criteria provided, single submitter. Criteria: GeneDx Variant Classification (06012015). Collection method: clinical testing. Allele origin: germline. Affected: yes.
Comment: c.2514dupC: p.Ser839LeufsX25 in exon 17 in the POGZ Gene (NM_015100.3). The normal sequence with the base that is duplicated in braces is: ACCC{C}TCTC. The c.2514dupC variant in the POGZ gene causes a frameshift starting with codon Serine 839, changes this amino acid to a Leucine residue and creates a premature Stop codon at position 25 of the new reading frame, denoted p.Ser839LeufsX25. This variant is predicted to cause loss of normal protein function through protein truncation. The c.2514dupC variant was not observed in approximately 6,500 individuals of European and African American ancestry in the NHLBI Exome Sequencing Project, indicating it is not a common benign variant in these populations. The c.2514dupC variant is a good candidate for a pathogenic variant, however the possibility it may be a rare benign variant cannot be excluded.

NM_015100.4(POGZ):c.2514dup (p.Ser839fs)

Gene: POGZ (pogo transposable element derived with ZNF domain; minus strand). Cytogenetic location: 1q21.3.
Variant type: Duplication.
Coding change: c.2514dup on transcript NM_015100.4 (MANE Select); coding-DNA position 2514, one base duplicated (C; older notation c.2514dupC).
Protein change: p.Ser839fs; shifts the reading frame from serine 839.
Molecular consequence: frameshift variant.
Genome position (GRCh38, 1-based): chr1:151,406,942, G duplicated on the plus strand (C on the coding strand, the reverse complement: POGZ is on the minus strand); the first of 4 consecutive G bases (chr1:151,406,942-151,406,945); duplicating any one gives the same sequence. VCF-style (leftmost placement, unchanged base first): chr1-151406941-A-AG. GRCh37 (hg19) VCF-style: chr1-151379417-A-AG.
Other names: c.2487dup, p.Ser830fs (NM_001194937.2); c.2328dup, p.Ser777fs (NM_001194938.2); c.2229dup, p.Ser744fs (NM_145796.4); c.2355dup, p.Ser786fs (NM_207171.2); short protein forms S839fs, S744fs, S777fs, S830fs, S786fs.
Identifiers: ClinVar variation 207801 (VCV000207801.2), dbSNP rs796052221, ClinGen allele CA319620.